The following is an entry in ClinVar:

ClinVar aggregate classification (germline): Conflicting classifications of pathogenicity. Review status: criteria provided, conflicting classifications (1 of 4 stars). 7 submissions from 7 submitters: Uncertain significance (4); Likely benign (1). 2 of the submissions do not count toward it. Last evaluated 2025-04-30.

Conditions:
Usher syndrome type 1 (USH1). Also called: RETINITIS PIGMENTOSA AND CONGENITAL DEAFNESS. Identifiers: Orphanet 231169, Orphanet 886, MedGen C1568247, MONDO:0010168, OMIM 276900.
Autosomal recessive nonsyndromic hearing loss 2. Also called: DEAFNESS, AUTOSOMAL RECESSIVE 2; NEUROSENSORY NONSYNDROMIC RECESSIVE DEAFNESS 2. Identifiers: Orphanet 90636, MedGen C1838701, MONDO:0010807, OMIM 600060.
Inborn genetic diseases. Identifiers: MedGen C0950123, MeSH D030342.
Usher syndrome type 1B (USH1B). Also called: Usher syndrome type IB. Identifiers: MedGen C1848638, MONDO:0700087.

Allele frequency attached by ClinVar (database versions not stated): TOPMed 0.00001; gnomAD 0.00003.
gnomAD v4.1: 15 of 1,613,420 alleles (0.00093%); highest among the groups gnomAD compares: East Asian, 0.027%; no homozygotes.

Submissions (7):

Ambry Genetics
Classification: Uncertain significance for Inborn genetic diseases. Last evaluated: 2025-04-30. Review status: criteria provided, single submitter. Criteria: Ambry Variant Classification Scheme 2023. Collection method: clinical testing. Allele origin: germline.

GeneDx
Classification: Uncertain significance. Last evaluated: 2025-02-24. Review status: criteria provided, single submitter. Criteria: GeneDx Variant Classification Process June 2021. Collection method: clinical testing. Allele origin: germline. Affected: yes.
Comment: In silico analysis supports that this missense variant has a deleterious effect on protein structure/function; Has not been previously published as pathogenic or benign to our knowledge

Labcorp Genetics (formerly Invitae), Labcorp
Classification: Likely benign. Last evaluated: 2024-03-01. Review status: criteria provided, single submitter. Criteria: Invitae Variant Classification Sherloc (09022015). Collection method: clinical testing. Allele origin: germline.

ARUP Laboratories, Molecular Genetics and Genomics, ARUP Laboratories
Classification: Uncertain significance. Last evaluated: 2018-02-02. Review status: criteria provided, single submitter. Criteria: ARUP Molecular Germline Variant Investigation Process. Collection method: clinical testing. Allele origin: germline.
Comment: The p.Arg120Ser variant (rs397516302) has not been reported in the medical literature, gene specific variation databases, nor has it been previously identified by our laboratory. This variant is listed in the Genome Aggregation Database (gnomAD) a frequency of 0.06 percent in the East Asian population (identified on 11 out of 18,826 chromosomes), and has been reported to the ClinVar database (Variation ID: 43213). The arginine at position 120 is moderately conserved considering 13 species (Alamut v2.10) and computational analyses of the effects of the p.Arg120Ser variant on protein structure and function provide conflicting results (SIFT: damaging, MutationTaster: disease causing, PolyPhen-2: benign). Altogether, there is not enough evidence to classify the p.Arg120Ser variant with certainty.

Laboratory for Molecular Medicine, Mass General Brigham Personalized Medicine
Classification: Uncertain significance. Last evaluated: 2011-09-12. Review status: criteria provided, single submitter. Criteria: LMM Criteria. Collection method: clinical testing. Allele origin: germline. Observed: 1 variant allele.
Comment: The Arg120Ser variant in MYO7A has not been reported in the literature nor previ ously identified by our laboratory. Computational analyses (biochemical amino ac id properties, homology, PolyPhen2, SIFT, AlignGVGD) do not provide strong suppo rt for or against pathogenicity. In summary, the clinical significance of this v ariant cannot be determined with certainty at this time. It should be noted that this lab has only sequenced MYO7A in 23 Asian probands and no Asian healthy con trols. In addition, healthy control information is limited in either public data bases or scientific literature, such that the full spectrum of benign variation has not yet been defined for this population. Future analysis could reveal that the Arg120Ser variant is common in this population and therefore unlikely to be pathogenic.

Natera, Inc.
Classification: Uncertain significance for Usher syndrome type 1B. Last evaluated: 2020-01-23. Review status: no assertion criteria provided. Collection method: clinical testing. Allele origin: germline. Not counted in ClinVar's aggregate classification.

Counsyl
Classification: Uncertain significance for Usher syndrome type 1; Autosomal recessive nonsyndromic hearing loss 2. Last evaluated: 2017-02-23. Review status: no assertion criteria provided. Collection method: clinical testing. Allele origin: unknown. Not counted in ClinVar's aggregate classification.

NM_000260.4(MYO7A):c.358C>A (p.Arg120Ser)

Gene: MYO7A (myosin VIIA; plus strand). Cytogenetic location: 11q13.5.
Variant type: single nucleotide variant.
Coding change: c.358C>A on transcript NM_000260.4 (MANE Select); coding-DNA position 358, C replaced by A.
Protein change: p.Arg120Ser; replaces arginine 120 with serine.
Molecular consequence: missense variant.
Genome position (GRCh38, 1-based): chr11:77,155,979, C>A. VCF-style: chr11-77155979-C-A. GRCh37 (hg19) VCF-style: chr11-76867025-C-A.
Other names: c.358C>A, p.Arg120Ser (NM_001127180.2); c.325C>A, p.Arg109Ser (NM_001369365.1); short protein forms R120S, R109S.
Identifiers: ClinVar variation 43213 (VCV000043213.24), dbSNP rs397516302, ClinGen allele CA132295.
Genomic context (GRCh38, chr11:77,155,979, plus strand): 5'-TCCATCCTGGTGGCTGTGAACCCCTACCAGCTGCTCTCCATCTACTCGCCAGAGCACATC[C>A]GCCAGTATACCAACAAGAAGATTGGGGAGATGCCCCCCCACATCTTTGCCATTGCTGACA-3'
Protein context (NP_000251.3, residues 110-130): LLSIYSPEHI[Arg120Ser]QYTNKKIGEM